The following is an entry in ClinVar:

NM_000256.3(MYBPC3):c.3535G>C (p.Glu1179Gln)

Gene: MYBPC3 (myosin binding protein C3; minus strand). Cytogenetic location: 11p11.2.
Variant type: single nucleotide variant.
Coding change: c.3535G>C on transcript NM_000256.3 (MANE Select); coding-DNA position 3535, G replaced by C.
Protein change: p.Glu1179Gln; replaces glutamic acid 1179 with glutamine.
Molecular consequence: missense variant.
Genome position (GRCh38, 1-based): chr11:47,332,658, C>G on the plus strand (G>C on the coding strand, the complement: MYBPC3 is on the minus strand). VCF-style: chr11-47332658-C-G. GRCh37 (hg19) VCF-style: chr11-47354209-C-G.
Other names: short protein forms E1179Q.
Identifiers: ClinVar variation 4735666 (VCV004735666.1).

ClinVar aggregate classification (germline): Uncertain significance (1 of 4 stars; one submission).

Conditions:
Hypertrophic cardiomyopathy. Also called: HYPERTROPHIC MYOCARDIOPATHY. Identifiers: Orphanet 217569, MedGen C0007194, MeSH D002312, MONDO:0005045, HP:0001639.

Submission:

Labcorp Genetics (formerly Invitae), Labcorp
Classification: Uncertain significance for Hypertrophic cardiomyopathy. Last evaluated: 2026-01-27. Review status: criteria provided, single submitter. Criteria: Invitae Variant Classification Sherloc (09022015). Collection method: clinical testing. Allele origin: germline.
Comment: This sequence change replaces glutamic acid, which is acidic and polar, with glutamine, which is neutral and polar, at codon 1179 of the MYBPC3 protein (p.Glu1179Gln). This variant is not present in population databases (gnomAD no frequency). This variant has not been reported in the literature in individuals affected with MYBPC3-related conditions. An algorithm developed to predict the effect of missense changes on protein structure and function (PolyPhen-2) suggests that this variant is likely to be disruptive. In summary, the available evidence is currently insufficient to determine the role of this variant in disease. Therefore, it has been classified as a Variant of Uncertain Significance.